The following is an entry in ClinVar:

ClinVar aggregate classification (germline): Pathogenic/Likely pathogenic. Review status: criteria provided, multiple submitters, no conflicts (2 of 4 stars). 2 submissions from 2 submitters: Pathogenic (1); Likely pathogenic (1). Last evaluated 2024-08-23.

Submissions (2):

Labcorp Genetics (formerly Invitae), Labcorp
Classification: Pathogenic. Last evaluated: 2024-08-23. Review status: criteria provided, single submitter. Criteria: Invitae Variant Classification Sherloc (09022015). Collection method: clinical testing. Allele origin: germline.
Comment: This sequence change creates a premature translational stop signal (p.Leu43Argfs*37) in the RXYLT1 gene. It is expected to result in an absent or disrupted protein product. Loss-of-function variants in RXYLT1 are known to be pathogenic (PMID: 23217329, 23519211, 31742715). This variant is present in population databases (rs748590408, gnomAD 0.001%). This variant has not been reported in the literature in individuals affected with RXYLT1-related conditions. ClinVar contains an entry for this variant (Variation ID: 452154). For these reasons, this variant has been classified as Pathogenic.

GeneDx
Classification: Likely pathogenic. Last evaluated: 2023-08-25. Review status: criteria provided, single submitter. Criteria: GeneDx Variant Classification Process June 2021. Collection method: clinical testing. Allele origin: germline. Affected: yes.
Comment: Frameshift variant predicted to result in protein truncation or nonsense mediated decay in a gene for which loss-of-function is a known mechanism of disease; Not observed at significant frequency in large population cohorts (gnomAD); Has not been previously published as pathogenic or benign to our knowledge

Literature cited by the submitters: PubMed 23217329 (cited by Labcorp Genetics (formerly Invitae), Labcorp); PubMed 23519211 (cited by Labcorp Genetics (formerly Invitae), Labcorp); PubMed 31742715 (cited by Labcorp Genetics (formerly Invitae), Labcorp).

NM_014254.3(RXYLT1):c.123_150del (p.Leu43fs)

Gene: RXYLT1 (ribitol xylosyltransferase 1; plus strand). Cytogenetic location: 12q14.2.
Variant type: Deletion.
Coding change: c.123_150del on transcript NM_014254.3 (MANE Select); coding-DNA positions 123 to 150, 28 bases deleted (GGGCCTCAGGAAGGGGGCGGCCCCCGCG).
Protein change: p.Leu43fs; shifts the reading frame from leucine 43.
Molecular consequence: frameshift variant.
Genome position (GRCh38, 1-based): chr12:63,780,083-63,780,110, GGGCCTCAGGAAGGGGGCGGCCCCCGCG deleted; deleting any 28 consecutive bases within chr12:63,780,076-63,780,110 gives the same sequence; the c. name uses the placement nearest the transcript's 3' end. VCF-style (leftmost placement, unchanged base first): chr12-63780075-TCCCCGCGGGGCCTCAGGAAGGGGGCGGC-T. GRCh37 (hg19) VCF-style: chr12-64173855-TCCCCGCGGGGCCTCAGGAAGGGGGCGGC-T.
Other names: c.123_150del (NM_014254.2); c.123_150delGGGCCTCAGGAAGGGGGCGGCCCCCGCG (NM_014254.2); short protein forms L43fs.
Identifiers: ClinVar variation 452154 (VCV000452154.12), dbSNP rs748590408, ClinGen allele CA6665991.